The following is an entry in ClinVar:

NM_025179.4(PLXNA2):c.2254G>A (p.Ala752Thr)

Gene: PLXNA2 (plexin A2; minus strand). Cytogenetic location: 1q32.2.
Variant type: single nucleotide variant.
Coding change: c.2254G>A on transcript NM_025179.4 (MANE Select); coding-DNA position 2254, G replaced by A.
Protein change: p.Ala752Thr; replaces alanine 752 with threonine.
Molecular consequence: missense variant.
Genome position (GRCh38, 1-based): chr1:208,084,424, C>T on the plus strand (G>A on the coding strand, the complement: PLXNA2 is on the minus strand). VCF-style: chr1-208084424-C-T. GRCh37 (hg19) VCF-style: chr1-208257769-C-T.
Other names: short protein forms A752T.
Identifiers: ClinVar variation 3036877 (VCV003036877.2), dbSNP rs772699228, ClinGen allele CA1373593.

ClinVar aggregate classification (germline): Uncertain significance (0 of 4 stars; one submission).

Conditions:
PLXNA2-related disorder. Also called: PLXNA2-related condition.

Allele frequency attached by ClinVar (database versions not stated): gnomAD exomes below 0.00001; ExAC 0.00001; gnomAD 0.00001.
gnomAD v4.1: 4 of 1,614,118 alleles (0.00025%); highest among the groups gnomAD compares: South Asian, 0.0022%; no homozygotes.

Submission:

PreventionGenetics, part of Exact Sciences
Classification: Uncertain significance for PLXNA2-related condition. Last evaluated: 2024-01-28. Review status: no assertion criteria provided. Collection method: clinical testing. Allele origin: germline.
Comment: The PLXNA2 c.2254G>A variant is predicted to result in the amino acid substitution p.Ala752Thr. This variant was reported in an individual with orofacial cleft (Bishop et al. 2020. PubMed ID: 32574564; Table S3). This variant is reported in 0.0033% of alleles in individuals of South Asian descent in gnomAD. At this time, the clinical significance of this variant is uncertain due to the absence of conclusive functional and genetic evidence.